The following is an entry in ClinVar:

NM_001330260.2(SCN8A):c.3491-20G>A

Gene: SCN8A (sodium voltage-gated channel alpha subunit 8; plus strand). Cytogenetic location: 12q13.13.
Variant type: single nucleotide variant.
Coding change: c.3491-20G>A on transcript NM_001330260.2 (MANE Select); 20 bases into the intron before coding-DNA position 3491, G replaced by A.
Molecular consequence: intron variant.
Genome position (GRCh38, 1-based): chr12:51,770,509, G>A. VCF-style: chr12-51770509-G-A. GRCh37 (hg19) VCF-style: chr12-52164293-G-A.
Other names: c.3491-20G>A (NM_014191.3, NM_014191.4, NM_001177984.3 and 1 more transcripts).
Identifiers: ClinVar variation 1940867 (VCV001940867.7), dbSNP rs570424572, ClinGen allele CA6571621.

ClinVar aggregate classification (germline): Likely benign. Review status: criteria provided, single submitter (1 of 4 stars). 2 submissions from 2 submitters: Likely benign (1). 1 of the submissions does not count toward it. Last evaluated 2023-05-28.

Conditions:
Early-infantile DEE. Also called: Early infantile epileptic encephalopathy; Ohtahara syndrome; Early infantile epileptic encephalopathy with suppression bursts. Identifiers: Orphanet 1934, MedGen C0393706, MONDO:0800491.
SCN8A-related disorder.

Allele frequency attached by ClinVar (database versions not stated): TOPMed 0.00001; gnomAD 0.00005; ExAC 0.00009.
gnomAD v4.1: 28 of 1,567,256 alleles (0.0018%); highest among the groups gnomAD compares: South Asian, 0.019%; no homozygotes.

Submissions (2):

Labcorp Genetics (formerly Invitae), Labcorp
Classification: Likely benign for Early-infantile DEE. Last evaluated: 2023-05-28. Review status: criteria provided, single submitter. Criteria: Invitae Variant Classification Sherloc (09022015). Collection method: clinical testing. Allele origin: germline.

PreventionGenetics, part of Exact Sciences
Classification: Likely benign for SCN8A-related condition. Last evaluated: 2021-09-23. Review status: no assertion criteria provided. Collection method: clinical testing. Allele origin: germline. Not counted in ClinVar's aggregate classification.
Comment: This variant is classified as likely benign based on ACMG/AMP sequence variant interpretation guidelines (Richards et al. 2015 PMID: 25741868, with internal and published modifications).